The following is an entry in ClinVar:

ClinVar aggregate classification (germline): Benign/Likely benign. Review status: criteria provided, multiple submitters, no conflicts (2 of 4 stars). 18 submissions from 16 submitters: Benign (5); Likely benign (9). 4 of the submissions do not count toward it. Last evaluated 2026-01-27.

Conditions:
Hereditary spastic paraplegia. Also called: Familial spastic paraparesis. Identifiers: Orphanet 685, MedGen C0037773, MONDO:0019064. Disease mechanism: loss of function.
SETX-related disorder. Also called: SETX-related condition; SETX-related disorders. Identifiers: MedGen CN239403.
Inborn genetic diseases. Identifiers: MedGen C0950123, MeSH D030342.
Spinocerebellar ataxia, autosomal recessive, with axonal neuropathy 2 (SCAN2). Also called: Ataxia-ocular apraxia-2; Ataxia with Oculomotor Apraxia Type 2; Ataxia with Oculomotor Apraxia; ATAXIA-OCULOMOTOR APRAXIA 2. Identifiers: Orphanet 64753, MedGen C1853761, MONDO:0018996, OMIM 606002.
Amyotrophic lateral sclerosis type 4 (ALS4). Also called: NEURONOPATHY, DISTAL HEREDITARY MOTOR, WITH PYRAMIDAL FEATURES; AMYOTROPHIC LATERAL SCLEROSIS 4, JUVENILE. Identifiers: Orphanet 357043, MedGen C1865409, MONDO:0011223, OMIM 602433.

Allele frequency attached by ClinVar (database versions not stated): gnomAD exomes 0.00034 and 0.00088; ExAC 0.00096; gnomAD 0.00293; ESP Exome Variant Server 0.00323; TOPMed 0.00339; 1000 Genomes Project 0.00419; 1000 Genomes Project 30x 0.00437.
gnomAD v4.1: 980 of 1,613,892 alleles (0.061%); highest among the groups gnomAD compares: African/African-American, 1.1%; 4 homozygotes.

Submissions (18):

Labcorp Genetics (formerly Invitae), Labcorp
Classification: Benign for Amyotrophic lateral sclerosis type 4; Spinocerebellar ataxia, autosomal recessive, with axonal neuropathy 2. Last evaluated: 2026-01-27. Review status: criteria provided, single submitter. Criteria: Invitae Variant Classification Sherloc (09022015). Collection method: clinical testing. Allele origin: germline.

Athena Diagnostics
Classification: Benign. Last evaluated: 2025-04-07. Review status: criteria provided, single submitter. Criteria: Athena Diagnostics Criteria. Collection method: clinical testing. Allele origin: unknown.
Comment: The frequency of this variant in the general population is higher than would generally be expected for pathogenic variants in this gene.

Mayo Clinic Laboratories, Mayo Clinic
Classification: Benign. Last evaluated: 2024-12-11. Review status: criteria provided, single submitter. Criteria: ACMG Guidelines, 2015. Collection method: clinical testing. Allele origin: germline. Observed: 7 variant alleles.
Comment: BS1, BS2, BP4

Blueprint Genetics
Classification: Likely benign. Last evaluated: 2024-09-13. Review status: criteria provided, single submitter. Criteria: ACMG Guidelines, 2015. Collection method: clinical testing. Allele origin: germline.

CeGaT Center for Human Genetics Tuebingen
Classification: Likely benign. Last evaluated: 2023-08-01. Review status: criteria provided, single submitter. Criteria: CeGaT Center For Human Genetics Tuebingen Variant Classification Criteria Version 2. Collection method: clinical testing. Allele origin: germline. Affected: yes. Observed: 1 variant allele.
Comment: SETX: BP4, BS1

Genome-Nilou Lab
Classification: Likely benign for Spinocerebellar ataxia, autosomal recessive, with axonal neuropathy 2. Last evaluated: 2023-02-08. Review status: criteria provided, single submitter. Criteria: ACMG Guidelines, 2015. Collection method: clinical testing. Allele origin: germline.

Genome-Nilou Lab
Classification: Likely benign for Amyotrophic lateral sclerosis type 4. Last evaluated: 2023-02-08. Review status: criteria provided, single submitter. Criteria: ACMG Guidelines, 2015. Collection method: clinical testing. Allele origin: germline.

Genome Diagnostics Laboratory, The Hospital for Sick Children
Classification: Likely benign for Hereditary spastic paraplegia. Last evaluated: 2021-05-17. Review status: criteria provided, single submitter. Criteria: ACMG Guidelines, 2015. Collection method: clinical testing. Allele origin: germline. Affected: yes.

Ambry Genetics
Classification: Likely benign for Inborn genetic diseases. Last evaluated: 2019-09-27. Review status: criteria provided, single submitter. Criteria: Ambry Variant Classification Scheme 2023. Collection method: clinical testing. Allele origin: germline.

Illumina Laboratory Services, Illumina
Classification: Likely benign for Spinocerebellar ataxia, autosomal recessive, with axonal neuropathy 2. Last evaluated: 2018-01-12. Review status: criteria provided, single submitter. Criteria: ICSL Variant Classification Criteria 13 December 2019. Collection method: clinical testing. Allele origin: germline.
Comment: This variant was observed in the ICSL laboratory as part of a predisposition screen in an ostensibly healthy population. It had not been previously curated by ICSL or reported in the Human Gene Mutation Database (HGMD: prior to June 1st, 2018), and was therefore a candidate for classification through an automated scoring system. Utilizing variant allele frequency, disease prevalence and penetrance estimates, and inheritance mode, an automated score was calculated to assess if this variant is too frequent to cause the disease. Based on the score and internal cut-off values, a variant classified as likely benign is not then subjected to further curation. The score for this variant resulted in a classification of likely benign for this disease.

Illumina Laboratory Services, Illumina
Classification: Benign for Amyotrophic lateral sclerosis type 4. Last evaluated: 2018-01-12. Review status: criteria provided, single submitter. Criteria: ICSL Variant Classification Criteria 13 December 2019. Collection method: clinical testing. Allele origin: germline.
Comment: This variant was observed in the ICSL laboratory as part of a predisposition screen in an ostensibly healthy population. It had not been previously curated by ICSL or reported in the Human Gene Mutation Database (HGMD: prior to June 1st, 2018), and was therefore a candidate for classification through an automated scoring system. Utilizing variant allele frequency, disease prevalence and penetrance estimates, and inheritance mode, an automated score was calculated to assess if this variant is too frequent to cause the disease. Based on the score and internal cut-off values, a variant classified as benign is not then subjected to further curation. The score for this variant resulted in a classification of benign for this disease.

ARUP Laboratories, Molecular Genetics and Genomics, ARUP Laboratories
Classification: Benign. Last evaluated: 2017-05-02. Review status: criteria provided, single submitter. Criteria: ARUP Molecular Germline Variant Investigation Process. Collection method: clinical testing. Allele origin: germline.

Center for Pediatric Genomic Medicine, Children's Mercy Hospital and Clinics
Classification: Likely benign. Last evaluated: 2017-04-05. Review status: criteria provided, single submitter. Criteria: ACMG Guidelines, 2015. Collection method: clinical testing. Allele origin: germline.

Breakthrough Genomics
Classification: Likely benign. Review status: criteria provided, single submitter. Criteria: ACMG Guidelines, 2015. Collection method: not provided. Allele origin: germline. Inheritance: Autosomal recessive inheritance. Affected: yes.

PreventionGenetics, part of Exact Sciences
Classification: Benign for SETX-related condition. Last evaluated: 2020-08-25. Review status: no assertion criteria provided. Collection method: clinical testing. Allele origin: germline. Not counted in ClinVar's aggregate classification.
Comment: This variant is classified as benign based on ACMG/AMP sequence variant interpretation guidelines (Richards et al. 2015 PMID: 25741868, with internal and published modifications).

Clinical Genetics DNA and cytogenetics Diagnostics Lab, Erasmus MC, Erasmus Medical Center
Classification: Benign. Review status: no assertion criteria provided. Collection method: clinical testing. Allele origin: germline. Affected: yes. Study: VKGL Data-share Consensus. Not counted in ClinVar's aggregate classification.

Genome Diagnostics Laboratory, Amsterdam University Medical Center
Classification: Likely benign. Review status: no assertion criteria provided. Collection method: clinical testing. Allele origin: germline. Affected: yes. Study: VKGL Data-share Consensus. Not counted in ClinVar's aggregate classification.

Genome Diagnostics Laboratory, University Medical Center Utrecht
Classification: Benign. Review status: no assertion criteria provided. Collection method: clinical testing. Allele origin: germline. Affected: yes. Study: VKGL Data-share Consensus. Not counted in ClinVar's aggregate classification.

NM_015046.7(SETX):c.2216G>A (p.Gly739Glu)

Gene: SETX (senataxin; minus strand). Cytogenetic location: 9q34.13.
Variant type: single nucleotide variant.
Coding change: c.2216G>A on transcript NM_015046.7 (MANE Select); coding-DNA position 2216, G replaced by A.
Protein change: p.Gly739Glu; replaces glycine 739 with glutamic acid.
Molecular consequence: missense variant.
Genome position (GRCh38, 1-based): chr9:132,329,382, C>T on the plus strand (G>A on the coding strand, the complement: SETX is on the minus strand). VCF-style: chr9-132329382-C-T. GRCh37 (hg19) VCF-style: chr9-135204769-C-T.
Other names: c.2216G>A, p.Gly739Glu (NM_001351527.2, NM_001351528.2); short protein forms G739E.
Identifiers: ClinVar variation 365367 (VCV000365367.58), dbSNP rs36024203, ClinGen allele CA5297642.
Genomic context (GRCh38, chr9:132,329,382, plus strand): 5'-GACACTTTTTCCAAAGCATCAGTGCTAGAATCAGTCAACAAACGTGTTGATACTATTATT[C>T]CTCTGTCACATCCCCTTTCTGGACCATTTCTTGAAGTACAGTCCTTTGGTGTATATGAAG-3'
Protein context (NP_055861.3, residues 729-749): RNGPERGCDR[Gly739Glu]IIVSTRLLTD